The following is an entry in ClinVar:

NM_000541.5(SAG):c.858dup (p.Leu288fs)

Gene: SAG (S-antigen visual arrestin; plus strand). Cytogenetic location: 2q37.1.
Variant type: Duplication.
Coding change: c.858dup on transcript NM_000541.5 (MANE Select); coding-DNA position 858, one base duplicated (C; older notation c.858dupC).
Protein change: p.Leu288fs; shifts the reading frame from leucine 288.
Molecular consequence: frameshift variant.
Genome position (GRCh38, 1-based): chr2:233,335,013, C duplicated; the last of 3 consecutive C bases (chr2:233,335,011-233,335,013); duplicating any one gives the same sequence. VCF-style (leftmost placement, unchanged base first): chr2-233335010-G-GC. GRCh37 (hg19) VCF-style: chr2-234243656-G-GC.
Other names: short protein forms L288fs.
Identifiers: ClinVar variation 1356012 (VCV001356012.7), dbSNP rs2125344040, ClinGen allele CA2573135608.

ClinVar aggregate classification (germline): Pathogenic/Likely pathogenic. Review status: criteria provided, multiple submitters, no conflicts (2 of 4 stars). 2 submissions from 2 submitters: Pathogenic (1); Likely pathogenic (1). Last evaluated 2022-10-13.

Conditions:
SAG-related disorder. Also called: SAG-related disorders; SAG-related condition.

Submissions (2):

Labcorp Genetics (formerly Invitae), Labcorp
Classification: Pathogenic. Last evaluated: 2022-10-13. Review status: criteria provided, single submitter. Criteria: Invitae Variant Classification Sherloc (09022015). Collection method: clinical testing. Allele origin: germline.
Comment: For these reasons, this variant has been classified as Pathogenic. ClinVar contains an entry for this variant (Variation ID: 1356012). This variant has not been reported in the literature in individuals affected with SAG-related conditions. This variant is not present in population databases (gnomAD no frequency). This sequence change creates a premature translational stop signal (p.Leu288Alafs*3) in the SAG gene. It is expected to result in an absent or disrupted protein product. Loss-of-function variants in SAG are known to be pathogenic (PMID: 9452120, 15234147, 22665972).

Blueprint Genetics
Classification: Likely pathogenic for SAG-related disorders. Last evaluated: 2021-11-03. Review status: criteria provided, single submitter. Criteria: ACMG Guidelines, 2015. Collection method: clinical testing. Allele origin: germline. Affected: yes. Observed: 1 variant allele.

Literature cited by the submitters: PubMed 9452120 (cited by Labcorp Genetics (formerly Invitae), Labcorp); PubMed 15234147 (cited by Labcorp Genetics (formerly Invitae), Labcorp); PubMed 22665972 (cited by Labcorp Genetics (formerly Invitae), Labcorp).